The following is an entry in ClinVar:

NM_020680.4(SCYL1):c.2103C>G (p.Ser701=)

Gene: SCYL1 (SCY1 like pseudokinase 1; plus strand). Cytogenetic location: 11q13.1.
Variant type: single nucleotide variant.
Coding change: c.2103C>G on transcript NM_020680.4 (MANE Select); coding-DNA position 2103, C replaced by G.
Protein change: p.Ser701=; no amino-acid change (serine 701 retained).
Molecular consequence: synonymous variant. On other transcripts: missense variant (3), intron variant (2).
Genome position (GRCh38, 1-based): chr11:65,538,038, C>G. VCF-style: chr11-65538038-C-G. GRCh37 (hg19) VCF-style: chr11-65305509-C-G.
Other names: c.2052C>G, p.Ser684= (NM_001048218.2, NM_001425194.1, NM_001425198.1); c.2100C>G, p.Ser700= (NM_001411022.1, NM_001425179.1, NM_001425180.1 and 3 more transcripts); c.2097C>G, p.Ser699= (NM_001425182.1); c.2049C>G, p.Ser683= (NM_001425183.1, NM_001425184.1, NM_001425195.1); c.2066C>G, p.Pro689Arg (NM_001425185.1); c.2063C>G, p.Pro688Arg (NM_001425186.1); c.2025C>G, p.Ser675= (NM_001425187.1); c.2103C>G, p.Ser701= (NM_001425188.1, NM_001425196.1); and 15 more; short protein forms P672R, P688R, P689R.
Identifiers: ClinVar variation 3778260 (VCV003778260.7).

ClinVar aggregate classification (germline): Likely benign (1 of 4 stars; one submission).

Submission:

CeGaT Center for Human Genetics Tuebingen
Classification: Likely benign. Last evaluated: 2025-03-01. Review status: criteria provided, single submitter. Criteria: CeGaT Center For Human Genetics Tuebingen Variant Classification Criteria Version 2. Collection method: clinical testing. Allele origin: germline. Affected: yes. Observed: 1 variant allele.
Comment: SCYL1: PM2:Supporting, BP4, BP7